The following is an entry in ClinVar:

ClinVar aggregate classification (germline): Uncertain significance (1 of 4 stars; one submission).

gnomAD v4.1: 4 of 1,204,768 alleles (0.00033%); highest among the groups gnomAD compares: South Asian, 0.0018%; no homozygotes.

Submissions (3):

Labcorp Genetics (formerly Invitae), Labcorp
Classification: Uncertain significance. Last evaluated: 2024-06-21. Review status: criteria provided, single submitter. Criteria: Invitae Variant Classification Sherloc (09022015). Collection method: clinical testing. Allele origin: germline.
Comment: This sequence change replaces arginine, which is basic and polar, with glutamine, which is neutral and polar, at codon 362 of the MBTPS2 protein (p.Arg362Gln). This variant is not present in population databases (gnomAD no frequency). This variant has not been reported in the literature in individuals affected with MBTPS2-related conditions. Advanced modeling of protein sequence and biophysical properties (such as structural, functional, and spatial information, amino acid conservation, physicochemical variation, residue mobility, and thermodynamic stability) performed at Invitae indicates that this missense variant is expected to disrupt MBTPS2 protein function with a positive predictive value of 80%. In summary, the available evidence is currently insufficient to determine the role of this variant in disease. Therefore, it has been classified as a Variant of Uncertain Significance.

Dr. Peter K. Rogan Lab, Western University
No classification provided (evidence only). Condition: Thyroid cancer, nonmedullary, 1. Review status: no classification provided. Collection method: in vitro. Allele origin: not applicable. Functional consequence: retained intron. Not counted in ClinVar's aggregate classification.

Dr. Peter K. Rogan Lab, Western University
No classification provided (evidence only). Condition: Thyroid cancer, nonmedullary, 1. Review status: no classification provided. Collection method: in vitro. Allele origin: not applicable. Functional consequence: retained intron. Not counted in ClinVar's aggregate classification.

NM_015884.4(MBTPS2):c.1085G>A (p.Arg362Gln)

Gene: MBTPS2 (membrane bound transcription factor peptidase, site 2; plus strand). Cytogenetic location: Xp22.12.
Variant type: single nucleotide variant.
Coding change: c.1085G>A on transcript NM_015884.4 (MANE Select); coding-DNA position 1085, G replaced by A.
Protein change: p.Arg362Gln; replaces arginine 362 with glutamine.
Molecular consequence: missense variant.
Genome position (GRCh38, 1-based): chrX:21,878,516, G>A. VCF-style: chrX-21878516-G-A. GRCh37 (hg19) VCF-style: chrX-21896634-G-A.
Other names: short protein forms R362Q.
Identifiers: ClinVar variation 3693728 (VCV003693728.3).
Genomic context (GRCh38, chrX:21,878,516, plus strand): 5'-TAATCATTTTTAATATTGACTGATTAATATTTTATTTATAGCATACATGTCTTCCTGCCC[G>A]GAAAGCAGTTGAAGCAACTCAAGTTTGCAGAACCAATAAAGACTGTAAAAAAAGCTCAAG-3'
Protein context (NP_056968.1, residues 352-372): NKRLHTCLPA[Arg362Gln]KAVEATQVCR